The following is an entry in ClinVar:

ClinVar aggregate classification (germline): Pathogenic (1 of 4 stars; one submission).

Conditions:
Jeune thoracic dystrophy. Also called: Short-rib thoracic dysplasia; Jeune syndrome; Infantile thoracic dystrophy; Thoracic pelvic phalangeal dystrophy; Jeune's syndrome; Chondroectodermal dysplasia-like syndrome. Identifiers: Orphanet 474, MedGen C0265275, MONDO:0018770.
Nephronophthisis. Also called: Juvenile Nephronophthisis. Identifiers: Orphanet 655, MedGen C0687120, MONDO:0019005, HP:0000090.

Allele frequency attached by ClinVar (database versions not stated): gnomAD 0.00001.
gnomAD v4.1: 4 of 1,266,280 alleles (0.00032%); highest among the groups gnomAD compares: African/African-American, 0.0049%; no homozygotes.

Submission:

Labcorp Genetics (formerly Invitae), Labcorp
Classification: Pathogenic for Jeune thoracic dystrophy; Nephronophthisis. Last evaluated: 2023-11-11. Review status: criteria provided, single submitter. Criteria: Invitae Variant Classification Sherloc (09022015). Collection method: clinical testing. Allele origin: germline.
Comment: This sequence change creates a premature translational stop signal (p.Gln4*) in the TTC21B gene. It is expected to result in an absent or disrupted protein product. Loss-of-function variants in TTC21B are known to be pathogenic (PMID: 18327258, 21068128, 21258341, 23559409, 24876116, 25492405, 27491411, 29068549). This variant is present in population databases (no rsID available, gnomAD 0.02%). This variant has not been reported in the literature in individuals affected with TTC21B-related conditions. For these reasons, this variant has been classified as Pathogenic.

Literature cited by the submitters: PubMed 18327258; PubMed 21068128; PubMed 21258341; PubMed 23559409; PubMed 24876116; PubMed 25492405; PubMed 27491411; PubMed 29068549.

NM_024753.5(TTC21B):c.10C>T (p.Gln4Ter)

Gene: TTC21B (tetratricopeptide repeat domain 21B; minus strand). Cytogenetic location: 2q24.3.
Variant type: single nucleotide variant.
Coding change: c.10C>T on transcript NM_024753.5 (MANE Select); coding-DNA position 10, C replaced by T.
Protein change: p.Gln4Ter; replaces glutamine 4 with a stop codon.
Molecular consequence: nonsense.
Genome position (GRCh38, 1-based): chr2:165,953,696, G>A on the plus strand (C>T on the coding strand, the complement: TTC21B is on the minus strand). VCF-style: chr2-165953696-G-A. GRCh37 (hg19) VCF-style: chr2-166810206-G-A.
Other names: short protein forms Q4*.
Identifiers: ClinVar variation 2939590 (VCV002939590.3), dbSNP rs1264683917, ClinGen allele CA349057210.